The following is an entry in ClinVar:

ClinVar aggregate classification (germline): Likely benign (0 of 4 stars; one submission).

Conditions:
CGNL1-related disorder. Also called: CGNL1-related condition.

Allele frequency attached by ClinVar (database versions not stated): gnomAD exomes 0.00014; ExAC 0.00051; ESP Exome Variant Server 0.00116; gnomAD 0.00137; TOPMed 0.00162; 1000 Genomes Project 0.00220; 1000 Genomes Project 30x 0.00234.
gnomAD v4.1: 413 of 1,614,030 alleles (0.026%); highest among the groups gnomAD compares: African/African-American, 0.51%; 2 homozygotes.

Submission:

PreventionGenetics, part of Exact Sciences
Classification: Likely benign for CGNL1-related condition. Last evaluated: 2019-08-09. Review status: no assertion criteria provided. Collection method: clinical testing. Allele origin: germline.
Comment: This variant is classified as likely benign based on ACMG/AMP sequence variant interpretation guidelines (Richards et al. 2015 PMID: 25741868, with internal and published modifications).

NM_032866.5(CGNL1):c.1982A>G (p.Lys661Arg)

Gene: CGNL1 (cingulin like 1; plus strand). Cytogenetic location: 15q21.3.
Variant type: single nucleotide variant.
Coding change: c.1982A>G on transcript NM_032866.5 (MANE Select); coding-DNA position 1982, A replaced by G.
Protein change: p.Lys661Arg; replaces lysine 661 with arginine.
Molecular consequence: missense variant.
Genome position (GRCh38, 1-based): chr15:57,452,217, A>G. VCF-style: chr15-57452217-A-G. GRCh37 (hg19) VCF-style: chr15-57744415-A-G.
Other names: c.1982A>G, p.Lys661Arg (NM_001252335.2); short protein forms K661R.
Identifiers: ClinVar variation 3035158 (VCV003035158.2), dbSNP rs56726484, ClinGen allele CA7582006.
Genomic context (GRCh38, chr15:57,452,217, plus strand): 5'-AAGAAGAGAGAGAGAGGATGAGAGCAAACCTAGAAGAGCTCCGAAGCCAACACAACGAAA[A>G]GGTGGAGGAGAACTCCACATTGCAGCAACGACTGGAAGAAAGTGAAGGGGAGCTCCGGAA-3'
Protein context (NP_116255.2, residues 651-671): LEELRSQHNE[Lys661Arg]VEENSTLQQR